The following is an entry in ClinVar:

NM_001375405.1(CEP120):c.1764-6T>C

Gene: CEP120 (centrosomal protein 120; minus strand). Cytogenetic location: 5q23.2.
Variant type: single nucleotide variant.
Coding change: c.1764-6T>C on transcript NM_001375405.1 (MANE Select); 6 bases into the intron before coding-DNA position 1764, T replaced by C.
Molecular consequence: intron variant.
Genome position (GRCh38, 1-based): chr5:123,383,088, A>G on the plus strand (T>C on the coding strand, the complement: CEP120 is on the minus strand). VCF-style: chr5-123383088-A-G. GRCh37 (hg19) VCF-style: chr5-122718782-A-G.
Other names: p.?; c.1686-6T>C (NM_001166226.2); c.1764-6T>C (NM_153223.4, NM_001375407.1, NM_153223.3); c.1191-6T>C (NM_001375408.1, NM_001375409.1); c.1629-6T>C (NM_001375406.1).
Identifiers: ClinVar variation 1178153 (VCV001178153.12), dbSNP rs376358503, ClinGen allele CA3386868.

ClinVar aggregate classification (germline): Benign/Likely benign. Review status: criteria provided, multiple submitters, no conflicts (2 of 4 stars). 4 submissions from 4 submitters: Benign (1); Likely benign (3). Last evaluated 2025-12-13.

Conditions:
Short-rib thoracic dysplasia 13 with or without polydactyly (SRTD13). Identifiers: Orphanet 474, MedGen C4225378, MONDO:0014577, OMIM 616300.

Allele frequency attached by ClinVar (database versions not stated): gnomAD exomes 0.00010 and 0.00028; 1000 Genomes Project 30x 0.00016; 1000 Genomes Project 0.00020; ExAC 0.00040; ESP Exome Variant Server 0.00077; gnomAD 0.00098 and 0.00112; TOPMed 0.00115.
gnomAD v4.1: 284 of 1,393,364 alleles (0.02%); highest among the groups gnomAD compares: African/African-American, 0.33%; no homozygotes.

Submissions (4):

Mayo Clinic Laboratories, Mayo Clinic
Classification: Likely benign. Last evaluated: 2025-12-13. Review status: criteria provided, single submitter. Criteria: ACMG Guidelines, 2015. Collection method: clinical testing. Allele origin: germline. Observed: 1 variant allele.
Comment: BS1, BP4, BP7

Labcorp Genetics (formerly Invitae), Labcorp
Classification: Benign for Short-rib thoracic dysplasia 13 with or without polydactyly. Last evaluated: 2025-12-08. Review status: criteria provided, single submitter. Criteria: Invitae Variant Classification Sherloc (09022015). Collection method: clinical testing. Allele origin: germline.

Blueprint Genetics
Classification: Likely benign. Last evaluated: 2024-11-05. Review status: criteria provided, single submitter. Criteria: ACMG Guidelines, 2015. Collection method: clinical testing. Allele origin: germline.

GeneDx
Classification: Likely benign. Last evaluated: 2020-04-15. Review status: criteria provided, single submitter. Criteria: GeneDx Variant Classification Process June 2021. Collection method: clinical testing. Allele origin: germline. Affected: yes.